The following is an entry in ClinVar:

NM_004614.5(TK2):c.622T>C (p.Tyr208His)

Gene: TK2 (thymidine kinase 2; minus strand). Cytogenetic location: 16q21.
Variant type: single nucleotide variant.
Coding change: c.622T>C on transcript NM_004614.5 (MANE Select); coding-DNA position 622, T replaced by C.
Protein change: p.Tyr208His; replaces tyrosine 208 with histidine.
Molecular consequence: missense variant. On other transcripts: synonymous variant (1), non-coding transcript variant (1).
Genome position (GRCh38, 1-based): chr16:66,513,808, A>G on the plus strand (T>C on the coding strand, the complement: TK2 is on the minus strand). VCF-style: chr16-66513808-A-G. GRCh37 (hg19) VCF-style: chr16-66547711-A-G.
Other names: c.529T>C, p.Tyr177His (NM_001172643.1); c.547T>C, p.Tyr183His (NM_001172644.2); c.568T>C, p.Tyr190His (NM_001172645.2); c.475T>C, p.Tyr159His (NM_001271934.2); c.360T>C, p.Asn120= (NM_001271935.1); c.331T>C, p.Tyr111His (NM_001272050.2); short protein forms Y111H, Y159H, Y177H, Y183H, Y190H, Y208H.
Identifiers: ClinVar variation 4849482 (VCV004849482.1).

ClinVar aggregate classification (germline): Likely pathogenic (1 of 4 stars; one submission).

Conditions:
Mitochondrial DNA depletion syndrome, myopathic form (MTDPS2). Also called: MITOCHONDRIAL DNA DEPLETION SYNDROME 2 (MYOPATHIC TYPE); MITOCHONDRIAL DNA DEPLETION MYOPATHY, TK2-RELATED; TK2-Related Mitochondrial DNA Maintenance Defect, Myopathic Form. Identifiers: Orphanet 254875, MedGen C3149750, MONDO:0012301, OMIM 609560.
Progressive external ophthalmoplegia with mitochondrial DNA deletions, autosomal recessive 3 (PEOB3). Also called: PROGRESSIVE EXTERNAL OPHTHALMOPLEGIA, AUTOSOMAL RECESSIVE 3. Identifiers: Orphanet 254886, MedGen C4310734, MONDO:0014898, OMIM 617069.

Submission:

First Genomix Gene Laboratory, Genetic Diagnostics Department
Classification: Likely pathogenic for Progressive external ophthalmoplegia with mitochondrial DNA deletions, autosomal recessive 3; Mitochondrial DNA depletion syndrome, myopathic form. Last evaluated: 2025-05-26. Review status: criteria provided, single submitter. Criteria: ACMG Guidelines, 2015. Collection method: clinical testing. Allele origin: germline. Inheritance: Autosomal recessive inheritance. Affected: no. Observed: 1 variant allele.